The following is an entry in ClinVar:

NM_020376.4(PNPLA2):c.55G>C (p.Gly19Arg)

Genes: PNPLA2 (patatin like domain 2, triacylglycerol lipase; plus strand), LOC130005097 (ATAC-STARR-seq lymphoblastoid silent region 3036; plus strand). Cytogenetic location: 11p15.5.
Variant type: single nucleotide variant.
Coding change: c.55G>C on transcript NM_020376.4 (MANE Select); coding-DNA position 55, G replaced by C.
Protein change: p.Gly19Arg; replaces glycine 19 with arginine.
Molecular consequence: missense variant.
Genome position (GRCh38, 1-based): chr11:819,773, G>C. VCF-style: chr11-819773-G-C. GRCh37 (hg19) VCF-style: chr11-819773-G-C.
Other names: short protein forms G19R.
Identifiers: ClinVar variation 1498588 (VCV001498588.6), dbSNP rs866957213, ClinGen allele CA378976491.
Genomic context (GRCh38, chr11:819,773, plus strand): 5'-GCCGCGATGTTTCCCCGCGAGAAGACGTGGAACATCTCGTTCGCGGGCTGCGGCTTCCTC[G>C]GCGTCTACTACGTCGGCGTGGCCTCCTGCCTCCGCGAGCACGCGCCCTTCCTGGTGGCCA-3'
Protein context (NP_065109.1, residues 9-29): NISFAGCGFL[Gly19Arg]VYYVGVASCL

ClinVar aggregate classification (germline): Uncertain significance (1 of 4 stars; one submission).

Conditions:
Neutral lipid storage myopathy (NLSDM). Also called: NEUTRAL LIPID STORAGE DISEASE WITHOUT ICHTHYOSIS. Identifiers: Orphanet 98908, MedGen C1853136, MONDO:0012545, OMIM 610717.

Submission:

Labcorp Genetics (formerly Invitae), Labcorp
Classification: Uncertain significance for Neutral lipid storage myopathy. Last evaluated: 2022-08-09. Review status: criteria provided, single submitter. Criteria: Invitae Variant Classification Sherloc (09022015). Collection method: clinical testing. Allele origin: germline.
Comment: In summary, the available evidence is currently insufficient to determine the role of this variant in disease. Therefore, it has been classified as a Variant of Uncertain Significance. Algorithms developed to predict the effect of missense changes on protein structure and function are either unavailable or do not agree on the potential impact of this missense change (SIFT: "Deleterious"; PolyPhen-2: "Probably Damaging"; Align-GVGD: "Class C0"). ClinVar contains an entry for this variant (Variation ID: 1498588). This variant has not been reported in the literature in individuals affected with PNPLA2-related conditions. This variant is not present in population databases (gnomAD no frequency). This sequence change replaces glycine, which is neutral and non-polar, with arginine, which is basic and polar, at codon 19 of the PNPLA2 protein (p.Gly19Arg).